The following is an entry in ClinVar:

NM_001267550.2(TTN):c.86113_86126del (p.Leu28705fs)

Genes: TTN-AS1 (TTN antisense RNA 1; plus strand), TTN (titin; minus strand). Cytogenetic location: 2q31.2.
Variant type: Deletion.
Coding change: c.86113_86126del on transcript NM_001267550.2 (MANE Select); coding-DNA positions 86113 to 86126, 14 bases deleted (TTACGAGGGACAGA).
Protein change: p.Leu28705fs; shifts the reading frame from leucine 28705.
Molecular consequence: frameshift variant.
Genome position (GRCh38, 1-based): chr2:178,560,006-178,560,019, TCTGTCCCTCGTAA deleted on the plus strand (TTACGAGGGACAGA on the coding strand, the reverse complement: TTN is on the minus strand). VCF-style (leftmost placement, unchanged base first): chr2-178560005-TTCTGTCCCTCGTAA-T. GRCh37 (hg19) VCF-style: chr2-179424732-TTCTGTCCCTCGTAA-T.
Other names: c.81190_81203del, p.Leu27064fs (NM_001256850.1); c.58918_58931del, p.Leu19640fs (NM_003319.4); c.78409_78422del, p.Leu26137fs (NM_133378.4); c.59293_59306del, p.Leu19765fs (NM_133432.3); c.59494_59507del, p.Leu19832fs (NM_133437.4); short protein forms L19640fs, L19765fs, L19832fs, L26137fs, L27064fs, L28705fs.
Identifiers: ClinVar variation 3755245 (VCV003755245.2).

ClinVar aggregate classification (germline): Likely pathogenic (1 of 4 stars; one submission).

Conditions:
Dilated cardiomyopathy 1G (CMD1G). Identifiers: Orphanet 154, MedGen C1858763, MONDO:0011400, OMIM 604145.
Autosomal recessive limb-girdle muscular dystrophy type 2J (LGMDR10). Also called: Limb-girdle muscular dystrophy, type 2J; MUSCULAR DYSTROPHY, LIMB-GIRDLE, AUTOSOMAL RECESSIVE 10. Identifiers: Orphanet 140922, MedGen C1837342, MONDO:0012127, OMIM 608807.

Submission:

Labcorp Genetics (formerly Invitae), Labcorp
Classification: Likely pathogenic for Dilated cardiomyopathy 1G; Autosomal recessive limb-girdle muscular dystrophy type 2J. Last evaluated: 2024-03-18. Review status: criteria provided, single submitter. Criteria: Invitae Variant Classification Sherloc (09022015). Collection method: clinical testing. Allele origin: germline.
Comment: This sequence change creates a premature translational stop signal (p.Leu28705Ilefs*11) in the TTN gene. While this is not anticipated to result in nonsense mediated decay, it is expected to create a truncated TTN protein. This variant is not present in population databases (gnomAD no frequency). This premature translational stop signal has been observed in individual(s) with clinical features of TTN-related conditions (Invitae). This variant is located in the A band of TTN (PMID: 25589632). Truncating variants in this region are significantly overrepresented in patients affected with dilated cardiomyopathy (PMID: 25589632). Truncating variants in this region have also been reported in individuals affected with autosomal recessive centronuclear myopathy (PMID: 23975875). In summary, the currently available evidence indicates that the variant is pathogenic, but additional data are needed to prove that conclusively. Therefore, this variant has been classified as Likely Pathogenic.

Literature cited by the submitters: PubMed 25589632; PubMed 23975875.